The following is an entry in ClinVar:

NM_015295.3(SMCHD1):c.4133A>G (p.Asp1378Gly)

Gene: SMCHD1 (structural maintenance of chromosomes flexible hinge domain containing 1; plus strand). Cytogenetic location: 18p11.32.
Variant type: single nucleotide variant.
Coding change: c.4133A>G on transcript NM_015295.3 (MANE Select); coding-DNA position 4133, A replaced by G.
Protein change: p.Asp1378Gly; replaces aspartic acid 1378 with glycine.
Molecular consequence: missense variant.
Genome position (GRCh38, 1-based): chr18:2,750,475, A>G. VCF-style: chr18-2750475-A-G. GRCh37 (hg19) VCF-style: chr18-2750473-A-G.
Other names: short protein forms D1378G.
Identifiers: ClinVar variation 1899479 (VCV001899479.5), dbSNP rs1157560234, ClinGen allele CA401692274.

ClinVar aggregate classification (germline): Uncertain significance (1 of 4 stars; one submission).

Conditions:
Facioscapulohumeral muscular dystrophy 2 (FSHD2). Also called: FACIOSCAPULOHUMERAL MUSCULAR DYSTROPHY 2, DIGENIC; FSHD2, DIGENIC; MUSCULAR DYSTROPHY, FACIOSCAPULOHUMERAL, TYPE 1B. Identifiers: Orphanet 269, MedGen C1834671, MONDO:0008031, OMIM 158901.

Allele frequency attached by ClinVar (database versions not stated): gnomAD exomes below 0.00001; gnomAD 0.00001.
gnomAD v4.1: 2 of 1,609,172 alleles (0.00012%); highest among the groups gnomAD compares: South Asian, 0.0022%; no homozygotes.

Submission:

Labcorp Genetics (formerly Invitae), Labcorp
Classification: Uncertain significance for Facioscapulohumeral muscular dystrophy 2. Last evaluated: 2022-08-26. Review status: criteria provided, single submitter. Criteria: Invitae Variant Classification Sherloc (09022015). Collection method: clinical testing. Allele origin: germline.
Comment: In summary, the available evidence is currently insufficient to determine the role of this variant in disease. Therefore, it has been classified as a Variant of Uncertain Significance. Algorithms developed to predict the effect of missense changes on protein structure and function (SIFT, PolyPhen-2, Align-GVGD) all suggest that this variant is likely to be tolerated. This variant has not been reported in the literature in individuals affected with SMCHD1-related conditions. This variant is not present in population databases (gnomAD no frequency). This sequence change replaces aspartic acid, which is acidic and polar, with glycine, which is neutral and non-polar, at codon 1378 of the SMCHD1 protein (p.Asp1378Gly).